The following is an entry in ClinVar:

NM_020987.5(ANK3):c.12670G>A (p.Asp4224Asn)

Gene: ANK3 (ankyrin 3; minus strand). Cytogenetic location: 10q21.2.
Variant type: single nucleotide variant.
Coding change: c.12670G>A on transcript NM_020987.5 (MANE Select); coding-DNA position 12670, G replaced by A.
Protein change: p.Asp4224Asn; replaces aspartic acid 4224 with asparagine.
Molecular consequence: missense variant.
Genome position (GRCh38, 1-based): chr10:60,059,356, C>T on the plus strand (G>A on the coding strand, the complement: ANK3 is on the minus strand). VCF-style: chr10-60059356-C-T. GRCh37 (hg19) VCF-style: chr10-61819114-C-T.
Other names: c.2542G>A, p.Asp848Asn (NM_001149.4); c.5122G>A, p.Asp1708Asn (NM_001204403.2); c.5143G>A, p.Asp1715Asn (NM_001204404.2); c.5140G>A, p.Asp1714Asn (NM_001320874.2); short protein forms D848N, D1708N, D1715N, D1714N, D4224N.
Identifiers: ClinVar variation 4720650 (VCV004720650.1).

ClinVar aggregate classification (germline): Uncertain significance (1 of 4 stars; one submission).

Submission:

Labcorp Genetics (formerly Invitae), Labcorp
Classification: Uncertain significance. Last evaluated: 2025-06-08. Review status: criteria provided, single submitter. Criteria: Invitae Variant Classification Sherloc (09022015). Collection method: clinical testing. Allele origin: germline.
Comment: This sequence change replaces aspartic acid, which is acidic and polar, with asparagine, which is neutral and polar, at codon 4224 of the ANK3 protein (p.Asp4224Asn). This variant is not present in population databases (gnomAD no frequency). This variant has not been reported in the literature in individuals affected with ANK3-related conditions. An algorithm developed to predict the effect of missense changes on protein structure and function (PolyPhen-2) suggests that this variant is likely to be disruptive. In summary, the available evidence is currently insufficient to determine the role of this variant in disease. Therefore, it has been classified as a Variant of Uncertain Significance.